The following is an entry in ClinVar:

ClinVar aggregate classification (germline): Uncertain significance. Review status: criteria provided, multiple submitters, no conflicts (2 of 4 stars). 2 submissions from 2 submitters: Uncertain significance (2). Last evaluated 2023-12-21.

Conditions:
Inborn genetic diseases. Identifiers: MedGen C0950123, MeSH D030342.

gnomAD v4.1: 3 of 1,614,068 alleles (0.00019%); highest among the groups gnomAD compares: Admixed American, 0.005%; no homozygotes.

Submissions (2):

Ambry Genetics
Classification: Uncertain significance for Inborn genetic diseases. Last evaluated: 2023-12-21. Review status: criteria provided, single submitter. Criteria: Ambry Variant Classification Scheme 2023. Collection method: clinical testing. Allele origin: germline.

Labcorp Genetics (formerly Invitae), Labcorp
Classification: Uncertain significance. Last evaluated: 2022-08-09. Review status: criteria provided, single submitter. Criteria: Invitae Variant Classification Sherloc (09022015). Collection method: clinical testing. Allele origin: germline.
Comment: In summary, the available evidence is currently insufficient to determine the role of this variant in disease. Therefore, it has been classified as a Variant of Uncertain Significance. Advanced modeling of protein sequence and biophysical properties (such as structural, functional, and spatial information, amino acid conservation, physicochemical variation, residue mobility, and thermodynamic stability) performed at Invitae indicates that this missense variant is expected to disrupt YARS2 protein function. This variant has not been reported in the literature in individuals affected with YARS2-related conditions. This variant is not present in population databases (gnomAD no frequency). This sequence change replaces alanine, which is neutral and non-polar, with glycine, which is neutral and non-polar, at codon 396 of the YARS2 protein (p.Ala396Gly).

NM_001040436.3(YARS2):c.1187C>G (p.Ala396Gly)

Gene: YARS2 (tyrosyl-tRNA synthetase 2; minus strand). Cytogenetic location: 12p11.21.
Variant type: single nucleotide variant.
Coding change: c.1187C>G on transcript NM_001040436.3 (MANE Select); coding-DNA position 1187, C replaced by G.
Protein change: p.Ala396Gly; replaces alanine 396 with glycine.
Molecular consequence: missense variant.
Genome position (GRCh38, 1-based): chr12:32,750,024, G>C on the plus strand (C>G on the coding strand, the complement: YARS2 is on the minus strand). VCF-style: chr12-32750024-G-C. GRCh37 (hg19) VCF-style: chr12-32902958-G-C.
Other names: c.1187C>G (NM_001040436.2); short protein forms A396G.
Identifiers: ClinVar variation 1934476 (VCV001934476.4), dbSNP rs1955708626, ClinGen allele CA384369817.